The following is an entry in ClinVar:

NM_023036.6(DNAI2):c.21C>G (p.Tyr7Ter)

Gene: DNAI2 (dynein axonemal intermediate chain 2; plus strand). Cytogenetic location: 17q25.1.
Variant type: single nucleotide variant.
Coding change: c.21C>G on transcript NM_023036.6 (MANE Select); coding-DNA position 21, C replaced by G.
Protein change: p.Tyr7Ter; replaces tyrosine 7 with a stop codon.
Molecular consequence: nonsense. On other transcripts: non-coding transcript variant (1).
Genome position (GRCh38, 1-based): chr17:74,281,838, C>G. VCF-style: chr17-74281838-C-G. GRCh37 (hg19) VCF-style: chr17-72277977-C-G.
Other names: c.21C>G, p.Tyr7Ter (NM_001172810.3, NM_001353167.2); short protein forms Y7*.
Identifiers: ClinVar variation 1074621 (VCV001074621.7), dbSNP rs764381446, ClinGen allele CA400911610.

ClinVar aggregate classification (germline): Pathogenic (1 of 4 stars; one submission).

Conditions:
Primary ciliary dyskinesia. Also called: Ciliary dyskinesia. Identifiers: Orphanet 244, MedGen C0008780, MONDO:0016575, HP:0012265.

Submission:

Labcorp Genetics (formerly Invitae), Labcorp
Classification: Pathogenic for Primary ciliary dyskinesia. Last evaluated: 2023-06-04. Review status: criteria provided, single submitter. Criteria: Invitae Variant Classification Sherloc (09022015). Collection method: clinical testing. Allele origin: germline.
Comment: For these reasons, this variant has been classified as Pathogenic. Algorithms developed to predict the effect of sequence changes on RNA splicing suggest that this variant may create or strengthen a splice site. ClinVar contains an entry for this variant (Variation ID: 1074621). This variant has not been reported in the literature in individuals affected with DNAI2-related conditions. This variant is not present in population databases (gnomAD no frequency). This sequence change creates a premature translational stop signal (p.Tyr7*) in the DNAI2 gene. It is expected to result in an absent or disrupted protein product. Loss-of-function variants in DNAI2 are known to be pathogenic (PMID: 18950741, 23891469).

Literature cited by the submitters: PubMed 18950741; PubMed 23891469.